The following is an entry in ClinVar:

ClinVar aggregate classification (germline): Pathogenic/Likely pathogenic. Review status: criteria provided, multiple submitters, no conflicts (2 of 4 stars). 2 submissions from 2 submitters: Pathogenic (1); Likely pathogenic (1). Last evaluated 2025-09-03.

Conditions:
XFE progeroid syndrome (XFEPS). Also called: XPF-ERCC1 PROGEROID SYNDROME. Identifiers: MedGen C1970416, MONDO:0012590, OMIM 610965.
Xeroderma pigmentosum, group F (XPF). Also called: XERODERMA PIGMENTOSUM, COMPLEMENTATION GROUP F; XERODERMA PIGMENTOSUM, TYPE F; Xeroderma pigmentosum, type 6; XERODERMA PIGMENTOSUM VI; XP, GROUP F; ERCC4-Related Xeroderma Pigmentosum. Identifiers: MedGen C0268140, MONDO:0010215, OMIM 278760.
Fanconi anemia complementation group Q. Identifiers: Orphanet 84, MedGen C3808988, MONDO:0014108, OMIM 615272.

gnomAD v4.1: 1 of 1,613,994 alleles (0.000062%); highest among the groups gnomAD compares: Non-Finnish European, 0.000085%; no homozygotes.

Submissions (2):

Clinical and Functional Genomics Group, A.C.Camargo Cancer Center
Classification: Likely pathogenic for Fanconi anemia complementation group Q. Last evaluated: 2025-09-03. Review status: criteria provided, single submitter. Criteria: CFGG ACC Assertion Criteria V1. Collection method: research. Allele origin: germline.
Comment: The c.1349G>A (p.Trp450Ter) variant in the ERCC4 gene introduces a premature stop codon in exon 8, predicted to result in nonsense-mediated mRNA decay (NMD). Loss-of-function is an established mechanism of pathogenicity for ERCC4-related disorders (PMID: 9580660). To our knowledge, no functional studies have been performed to assess the impact of this variant on protein function. This variant is extremely rare in population databases (gnomAD allele frequency: 0.0000006196%) and has been reported in trans with a pathogenic variant in a patient presenting with cerebellar ataxia with chorea (PMID: 36816046) and in heterozygosity in a patient with low-grade myxoid liposarcoma (PMID: 37536918). The variant is also reported in ClinVar (VCV003578438.1). Based on the current evidence, this variant has been classified as likely pathogenic (PVS1, PM2_Supporting).

Fulgent Genetics
Classification: Pathogenic for Xeroderma pigmentosum, group F; XFE progeroid syndrome; Fanconi anemia complementation group Q. Last evaluated: 2024-06-13. Review status: criteria provided, single submitter. Criteria: ACMG Guidelines, 2015. Collection method: clinical testing. Allele origin: germline.

Literature cited by the submitters: PubMed 37536918 (cited by Clinical and Functional Genomics Group, A.C.Camargo Cancer Center); PubMed 36816046 (cited by Clinical and Functional Genomics Group, A.C.Camargo Cancer Center).

NM_005236.3(ERCC4):c.1349G>A (p.Trp450Ter)

Gene: ERCC4 (ERCC excision repair 4, endonuclease catalytic subunit; plus strand). Cytogenetic location: 16p13.12.
Variant type: single nucleotide variant.
Coding change: c.1349G>A on transcript NM_005236.3 (MANE Select); coding-DNA position 1349, G replaced by A.
Protein change: p.Trp450Ter; replaces tryptophan 450 with a stop codon.
Molecular consequence: nonsense.
Genome position (GRCh38, 1-based): chr16:13,935,281, G>A. VCF-style: chr16-13935281-G-A. GRCh37 (hg19) VCF-style: chr16-14029138-G-A.
Other names: short protein forms W450*.
Identifiers: ClinVar variation 3578438 (VCV003578438.2).